The following is an entry in ClinVar:

ClinVar aggregate classification (germline): Likely benign. Review status: criteria provided, multiple submitters, no conflicts (2 of 4 stars). 2 submissions from 2 submitters: Likely benign (2). Last evaluated 2025-03-27.

Conditions:
Muscular dystrophy-dystroglycanopathy (congenital with brain and eye anomalies), type A, 7. Also called: WALKER-WARBURG SYNDROME OR MUSCLE-EYE-BRAIN DISEASE, ISPD-RELATED; Congenital muscular dystrophy-dystroglycanopathy with brain and eye anomalies, type A7. Identifiers: Orphanet 899, MedGen C3553330, MONDO:0013835, OMIM 614643.
Autosomal recessive limb-girdle muscular dystrophy type 2U. Also called: Muscular dystrophy-dystroglycanopathy (limb-girdle), type c, 7; MUSCULAR DYSTROPHY, LIMB-GIRDLE, TYPE 2U. Identifiers: Orphanet 352479, MedGen C5190987, MONDO:0014474, OMIM 616052.

gnomAD v4.1: 40 of 1,493,970 alleles (0.0027%); highest among the groups gnomAD compares: Non-Finnish European, 0.0036%; no homozygotes.

Submissions (2):

Labcorp Genetics (formerly Invitae), Labcorp
Classification: Likely benign for Muscular dystrophy-dystroglycanopathy (congenital with brain and eye anomalies), type A, 7; Autosomal recessive limb-girdle muscular dystrophy type 2U. Last evaluated: 2025-03-27. Review status: criteria provided, single submitter. Criteria: Invitae Variant Classification Sherloc (09022015). Collection method: clinical testing. Allele origin: germline.

GeneDx
Classification: Likely benign. Last evaluated: 2018-06-06. Review status: criteria provided, single submitter. Criteria: GeneDx Variant Classification (06012015). Collection method: clinical testing. Allele origin: germline. Affected: yes.
Comment: This variant is considered likely benign or benign based on one or more of the following criteria: it is a conservative change, it occurs at a poorly conserved position in the protein, it is predicted to be benign by multiple in silico algorithms, and/or has population frequency not consistent with disease.

NM_001101426.4(CRPPA):c.1120-20C>G

Genes: CRPPA (CDP-L-ribitol pyrophosphorylase A; minus strand), CRPPA-AS1 (CRPPA antisense RNA 1; plus strand). Cytogenetic location: 7p21.2.
Variant type: single nucleotide variant.
Coding change: c.1120-20C>G on transcript NM_001101426.4 (MANE Select); 20 bases into the intron before coding-DNA position 1120, C replaced by G.
Molecular consequence: intron variant.
Genome position (GRCh38, 1-based): chr7:16,216,217, G>C on the plus strand (C>G on the coding strand, the complement: CRPPA is on the minus strand). VCF-style: chr7-16216217-G-C. GRCh37 (hg19) VCF-style: chr7-16255842-G-C.
Other names: c.970-20C>G (NM_001101417.4); c.1015-20C>G (NM_001368197.1).
Identifiers: ClinVar variation 669339 (VCV000669339.2), dbSNP rs758565814, ClinGen allele CA154740382.